The following is an entry in ClinVar:

NM_001081.4(CUBN):c.10009_10012del (p.Leu3337fs)

Gene: CUBN (cubilin; minus strand). Cytogenetic location: 10p13.
Variant type: Microsatellite.
Coding change: c.10009_10012del on transcript NM_001081.4 (MANE Select); coding-DNA positions 10009 to 10012, 4 bases deleted (TTAC; older notation c.10009_10012delTTAC).
Protein change: p.Leu3337fs; shifts the reading frame from leucine 3337.
Molecular consequence: frameshift variant.
Genome position (GRCh38, 1-based): chr10:16,840,350-16,840,353, GTAA deleted on the plus strand (TTAC on the coding strand, the reverse complement: CUBN is on the minus strand); deleting any 4 consecutive bases within chr10:16,840,350-16,840,357 gives the same sequence; the c. name uses the placement nearest the transcript's 3' end. VCF-style (leftmost placement, unchanged base first): chr10-16840349-TGTAA-T. GRCh37 (hg19) VCF-style: chr10-16882348-TGTAA-T.
Other names: c.10005_10008TTAC[1], p.Leu3337Serfs (NM_001081.3); c.10009_10012delTTAC (NM_001081.3); short protein forms L3337fs.
Identifiers: ClinVar variation 3255214 (VCV003255214.2), dbSNP rs2491157416.

ClinVar aggregate classification (germline): Pathogenic (1 of 4 stars; one submission).

Conditions:
Proteinuria, chronic benign. Identifiers: MedGen C5394384, MONDO:0030042, OMIM 618884.

Submission:

Victorian Clinical Genetics Services, Murdoch Childrens Research Institute
Classification: Pathogenic for Proteinuria, chronic benign. Last evaluated: 2024-09-20. Review status: criteria provided, single submitter. Criteria: ACMG Guidelines, 2015. Collection method: clinical testing. Allele origin: germline. Inheritance: Autosomal recessive inheritance.
Comment: Based on the classification scheme VCGS_Germline_v1.3.4, this variant is classified as Pathogenic. Following criteria are met: 0102 - Loss of function is a known mechanism of disease in this gene and is associated with Imerslund-Grasbeck syndrome 1 (MIM#261100) and chronic benign proteinuria (MIM#618884). Variants downstream of the vitamin B12/IF-binding domain are associated with isolated proteinuria (PMID: 31613795). (I) 0106 - This gene is associated with autosomal recessive disease. (I) 0201 - Variant is predicted to cause nonsense-mediated decay (NMD) and loss of protein (premature termination codon is located at least 54 nucleotides upstream of the final exon-exon junction). (SP) 0252 - This variant is homozygous. (I) 0301 - Variant is absent from gnomAD (both v2 and v3). (SP) 0701 - Other NMD-predicted variants comparable to the one identified in this case have very strong previous evidence for pathogenicity (DECIPHER). (SP) 0807 - This variant has no previous evidence of pathogenicity. (I) 0905 - No published segregation evidence has been identified for this variant. (I) 1007 - No published functional evidence has been identified for this variant. (I) 1208 - Inheritance information for this variant is not currently available in this individual. (I) Legend: (SP) - Supporting pathogenic, (I) - Information, (SB) - Supporting benign

Literature cited by the submitters: PubMed 31613795.